The following is an entry in ClinVar:

NM_004006.3(DMD):c.1998A>T (p.Ser666=)

Gene: DMD (dystrophin; minus strand). Cytogenetic location: Xp21.1.
Variant type: single nucleotide variant.
Coding change: c.1998A>T on transcript NM_004006.3 (MANE Select); coding-DNA position 1998, A replaced by T.
Protein change: p.Ser666=; no amino-acid change (serine 666 retained).
Molecular consequence: synonymous variant.
Genome position (GRCh38, 1-based): chrX:32,545,329, T>A on the plus strand (A>T on the coding strand, the complement: DMD is on the minus strand). VCF-style: chrX-32545329-T-A. GRCh37 (hg19) VCF-style: chrX-32563446-T-A.
Other names: c.1974A>T, p.Ser658= (NM_000109.4); c.1986A>T, p.Ser662= (NM_004009.3); c.1629A>T, p.Ser543= (NM_004010.3).
Identifiers: ClinVar variation 1158124 (VCV001158124.10), dbSNP rs1289591017, ClinGen allele CA515722752.
Genomic context (GRCh38, chrX:32,545,329, plus strand): 5'-AGTTACTGTTTCCATTACAGTTGTCTGTGTTAGTGATGGCTGAGTGGTGGTGACAGCCTG[T>A]GAAATCTGTGAGAAGTATTGAAACAGAGGTCAGACATTGCTAGAAAGACTTCAGTAAAGA-3'
Protein context (NP_003997.2, residues 656-676): QKLEKSTAQI[Ser666=]QAVTTTQPSL

ClinVar aggregate classification (germline): Conflicting classifications of pathogenicity. Review status: criteria provided, conflicting classifications (1 of 4 stars). 2 submissions from 2 submitters: Uncertain significance (1); Likely benign (1). Last evaluated 2025-06-15.

Conditions:
Duchenne muscular dystrophy (DMD). Also called: MUSCULAR DYSTROPHY, PSEUDOHYPERTROPHIC PROGRESSIVE, DUCHENNE TYPE; Duchenne Muscular Dystrophy (DMD). Identifiers: Orphanet 98896, MedGen C0013264, MONDO:0010679, OMIM 310200.

gnomAD v4.1: 6 of 1,209,557 alleles (0.0005%); highest among the groups gnomAD compares: South Asian, 0.0088%; no homozygotes.

Submissions (2):

Labcorp Genetics (formerly Invitae), Labcorp
Classification: Likely benign for Duchenne muscular dystrophy. Last evaluated: 2025-06-15. Review status: criteria provided, single submitter. Criteria: Invitae Variant Classification Sherloc (09022015). Collection method: clinical testing. Allele origin: germline.

GeneDx
Classification: Uncertain significance. Last evaluated: 2018-12-13. Review status: criteria provided, single submitter. Criteria: GeneDx Variant Classification Process June 2021. Collection method: clinical testing. Allele origin: germline. Affected: yes.
Comment: Not observed in large population cohorts (Lek et al., 2016); In silico analysis, which includes splice predictors and evolutionary conservation, supports that this variant does not alter protein structure/function; Has not been previously published as pathogenic or benign to our knowledge